The following is an entry in ClinVar:

ClinVar aggregate classification (germline): Uncertain significance (1 of 4 stars; one submission).

Conditions:
Myopathy, lactic acidosis, and sideroblastic anemia 2 (MLASA2). Identifiers: Orphanet 2598, MedGen C3150802, MONDO:0013307, OMIM 613561.

gnomAD v4.1: 3 of 1,614,092 alleles (0.00019%); highest among the groups gnomAD compares: South Asian, 0.0033%; no homozygotes.

Submission:

Neuberg Centre For Genomic Medicine, NCGM
Classification: Uncertain significance for Myopathy, lactic acidosis, and sideroblastic anemia 2. Last evaluated: 2023-06-22. Review status: criteria provided, single submitter. Criteria: ACMG Guidelines, 2015. Collection method: clinical testing. Allele origin: germline. Inheritance: Autosomal recessive inheritance. Affected: yes.
Comment: The observed missense c.514G>A(p.Asp172Asn) variant in YARS2 gene has not been reported previously as a pathogenic variant nor a benign variant, to our knowledge. The p.Asp172Asn variant has been reported with allele frequency of 0.0004% in gnomAD Exomes. This variant has not been submitted to the ClinVar database. Multiple lines of computational evidences (Polyphen - Benign, SIFT - Tolerated and MutationTaster - Disease causing) predict conflicting evidence on protein structure and function for this variant. The reference amino acid change at this position on YARS2 gene is predicted as conserved by GERP++ and PhyloP across 100 vertebrates. The amino acid Asp at position 172 is changed to a Asn changing protein sequence and it might alter its composition and physico-chemical properties. For these reasons, this variant has been classified as a Variant of Uncertain Significance (VUS).

NM_001040436.3(YARS2):c.514G>A (p.Asp172Asn)

Gene: YARS2 (tyrosyl-tRNA synthetase 2; minus strand). Cytogenetic location: 12p11.21.
Variant type: single nucleotide variant.
Coding change: c.514G>A on transcript NM_001040436.3 (MANE Select); coding-DNA position 514, G replaced by A.
Protein change: p.Asp172Asn; replaces aspartic acid 172 with asparagine.
Molecular consequence: missense variant.
Genome position (GRCh38, 1-based): chr12:32,755,361, C>T on the plus strand (G>A on the coding strand, the complement: YARS2 is on the minus strand). VCF-style: chr12-32755361-C-T. GRCh37 (hg19) VCF-style: chr12-32908295-C-T.
Other names: short protein forms D172N.
Identifiers: ClinVar variation 3377548 (VCV003377548.1).